The following is an entry in ClinVar:

NM_021939.4(FKBP10):c.179A>C (p.Gln60Pro)

Gene: FKBP10 (FKBP prolyl isomerase 10; plus strand). Cytogenetic location: 17q21.2.
Variant type: single nucleotide variant.
Coding change: c.179A>C on transcript NM_021939.4 (MANE Select); coding-DNA position 179, A replaced by C.
Protein change: p.Gln60Pro; replaces glutamine 60 with proline.
Molecular consequence: missense variant.
Genome position (GRCh38, 1-based): chr17:41,813,213, A>C. VCF-style: chr17-41813213-A-C. GRCh37 (hg19) VCF-style: chr17-39969465-A-C.
Other names: short protein forms Q60P.
Identifiers: ClinVar variation 1683709 (VCV001683709.4), dbSNP rs2144041758, ClinGen allele CA399513716.
Genomic context (GRCh38, chr17:41,813,213, plus strand): 5'-CCCTGGAAGATGTGGTCATCGAGAGGTACCACATCCCCAGGGCCTGTCCCCGGGAAGTGC[A>C]GATGGGGGATTTTGTGCGCTACCACTACAACGGCACTTTTGAAGATGGCAAGAAGTTTGA-3'
Protein context (NP_068758.3, residues 50-70): HIPRACPREV[Gln60Pro]MGDFVRYHYN

ClinVar aggregate classification (germline): Likely pathogenic. Review status: criteria provided, multiple submitters, no conflicts (2 of 4 stars). 2 submissions from 2 submitters: Likely pathogenic (2). Last evaluated 2025-07-16.

Conditions:
Bruck syndrome 1 (BRKS1). Also called: ARTHROGRYPOSIS-LIKE DISORDER. Identifiers: Orphanet 1149, Orphanet 2771, MedGen C1850168, MONDO:0009806, OMIM 259450.

gnomAD v4.1: 1 of 1,613,670 alleles (0.000062%); highest among the groups gnomAD compares: South Asian, 0.0011%; no homozygotes.

Submissions (2):

Dasa
Classification: Likely pathogenic. Last evaluated: 2025-07-16. Review status: criteria provided, single submitter. Criteria: DASA Assertion Criteria. Collection method: clinical testing. Allele origin: germline.
Comment: NM_021939.4(FKBP10):c.179A>C (p.Gln60Pro) is a missense variant that results in the substitution of glutamine with proline. This variant has been recurrently observed in individuals with FKBP10-related disorders (PMID: 31429852; PMID: 36709916). Also, this variant is rare in population databases. Computational evidence supports a deleterious effect. Based on the currently available evidence, this variant is classified as likely pathogenic.

Laboratorio de Genetica e Diagnostico Molecular, Hospital Israelita Albert Einstein
Classification: Likely pathogenic for Bruck syndrome 1. Last evaluated: 2022-01-28. Review status: criteria provided, single submitter. Criteria: ACMG Guidelines, 2015. Collection method: clinical testing. Allele origin: germline. Affected: yes.
Comment: ACMG classification criteria: PS4 moderate, PM2 moderate, PM3 moderate, PP3 supporting

Literature cited by the submitters: PubMed 31429852 (cited by Dasa); PubMed 36709916 (cited by Dasa).